The following is an entry in ClinVar:

NM_006205.3(PDE6H):c.179T>G (p.Ile60Ser)

Gene: PDE6H (phosphodiesterase 6H; plus strand). Cytogenetic location: 12p12.3.
Variant type: single nucleotide variant.
Coding change: c.179T>G on transcript NM_006205.3 (MANE Select); coding-DNA position 179, T replaced by G.
Protein change: p.Ile60Ser; replaces isoleucine 60 with serine.
Molecular consequence: missense variant.
Genome position (GRCh38, 1-based): chr12:14,981,403, T>G. VCF-style: chr12-14981403-T-G. GRCh37 (hg19) VCF-style: chr12-15134337-T-G.
Other names: short protein forms I60S.
Identifiers: ClinVar variation 853400 (VCV000853400.9), dbSNP rs1864681275, ClinGen allele CA384025326.
Genomic context (GRCh38, chr12:14,981,403, plus strand): 5'-TGAAGAAGCTCTCTTGGGGTGAGGTTGGCTTACGTGCTCTTCTTCCATCTCTTGCAGATA[T>G]CACAGTGATTTGTCCATGGGAGGCATTCAGCCACCTGGAATTGCATGAGCTCGCTCAGTT-3'
Protein context (NP_006196.1, residues 50-70): IPGMEGLGTD[Ile60Ser]TVICPWEAFS

ClinVar aggregate classification (germline): Uncertain significance (1 of 4 stars; one submission).

Submission:

Labcorp Genetics (formerly Invitae), Labcorp
Classification: Uncertain significance. Last evaluated: 2019-11-22. Review status: criteria provided, single submitter. Criteria: Invitae Variant Classification Sherloc (09022015). Collection method: clinical testing. Allele origin: germline.
Comment: Algorithms developed to predict the effect of missense changes on protein structure and function are either unavailable or do not agree on the potential impact of this missense change (SIFT: "Deleterious"; PolyPhen-2: "Probably Damaging"; Align-GVGD: "Class C0"). In summary, the available evidence is currently insufficient to determine the role of this variant in disease. Therefore, it has been classified as a Variant of Uncertain Significance. Algorithms developed to predict the effect of sequence changes on RNA splicing suggest that this variant may create or strengthen a splice site, but this prediction has not been confirmed by published transcriptional studies. This variant has not been reported in the literature in individuals with PDE6H-related conditions. This variant is not present in population databases (ExAC no frequency). This sequence change replaces isoleucine with serine at codon 60 of the PDE6H protein (p.Ile60Ser). The isoleucine residue is highly conserved and there is a large physicochemical difference between isoleucine and serine.